The following is an entry in ClinVar:

ClinVar aggregate classification (germline): Pathogenic. Review status: reviewed by expert panel (3 of 4 stars). 2 submissions from 2 submitters: Pathogenic (1). 1 of the submissions does not count toward it. Last evaluated 2016-10-18.

Conditions:
Breast-ovarian cancer, familial, susceptibility to, 2 (BROVCA2). Also called: BRCA2 Hereditary Breast and Ovarian Cancer. Identifiers: Orphanet 145, MedGen C2675520, MONDO:0012933, OMIM 612555. Disease mechanism: loss of function.

Submissions (2):

Evidence-based Network for the Interpretation of Germline Mutant Alleles (ENIGMA)
Classification: Pathogenic for Breast-ovarian cancer, familial, susceptibility to, 2. Last evaluated: 2016-10-18. Review status: reviewed by expert panel. Criteria: ENIGMA BRCA1/2 Classification Criteria (2015). Collection method: curation. Allele origin: germline.
Comment: Variant allele predicted to encode a truncated non-functional protein.

Consortium of Investigators of Modifiers of BRCA1/2 (CIMBA), c/o University of Cambridge
Classification: Pathogenic for Breast-ovarian cancer, familial, susceptibility to, 2. Last evaluated: 2015-10-02. Review status: criteria provided, single submitter. Criteria: CIMBA Mutation Classification guidelines May 2016. Collection method: clinical testing. Allele origin: germline. Not counted in ClinVar's aggregate classification.

NM_000059.4(BRCA2):c.1538_1541del (p.Lys513fs)

Gene: BRCA2 (BRCA2 DNA repair associated; plus strand). Cytogenetic location: 13q13.1.
Variant type: Deletion.
Coding change: c.1538_1541del on transcript NM_000059.4 (MANE Select); coding-DNA positions 1538 to 1541, 4 bases deleted (AAGA; older notation c.1538_1541delAAGA).
Protein change: p.Lys513fs; shifts the reading frame from lysine 513.
Molecular consequence: frameshift variant.
Genome position (GRCh38, 1-based): chr13:32,333,016-32,333,019, AAGA deleted; deleting any 4 consecutive bases within chr13:32,333,015-32,333,019 gives the same sequence; the c. name uses the placement nearest the transcript's 3' end. VCF-style (leftmost placement, unchanged base first): chr13-32333014-TAAAG-T. GRCh37 (hg19) VCF-style: chr13-32907151-TAAAG-T.
Other names: 1766_1769delAAGA; short protein forms K513fs.
Identifiers: ClinVar variation 266643 (VCV000266643.7), dbSNP rs886040373, ClinGen allele CA10589102.